The following continues an entry in ClinVar:

NM_007294.4(BRCA1):c.301+1G>A

Gene: BRCA1. ClinVar aggregate classification (germline): Uncertain significance. Uncertain significance (1).

Submissions 7 to 15 of 15:

Baylor Genetics
Classification: Uncertain significance for Breast-ovarian cancer, familial, susceptibility to, 1. Last evaluated: 2024-01-19. Review status: criteria provided, single submitter. Criteria: ACMG Guidelines, 2015. Collection method: clinical testing. Allele origin: unknown. Not counted in ClinVar's aggregate classification.

All of Us Research Program, National Institutes of Health
Classification: Uncertain significance for Breast-ovarian cancer, familial, susceptibility to, 1. Last evaluated: 2024-01-11. Review status: criteria provided, single submitter. Criteria: ACMG Guidelines, 2015. Collection method: clinical testing. Allele origin: germline. Inheritance: Autosomal dominant inheritance. Observed: 1 variant allele, 1 heterozygote. Not counted in ClinVar's aggregate classification.
Comment: This study involves interpretation of variants in research participants for the purpose of population health screening. Participant phenotype was not available at the time of variant classification. Additional details can be found in publication PMID: 35346344, PMCID: PMC8962531

Color Diagnostics, LLC DBA Color Health
Classification: Uncertain significance for Hereditary cancer-predisposing syndrome. Last evaluated: 2023-12-08. Review status: criteria provided, single submitter. Criteria: ACMG Guidelines, 2015. Collection method: clinical testing. Allele origin: germline. Not counted in ClinVar's aggregate classification.
Comment: This variant changes a G to A nucleotide at the +1 position of the intron 5 splice donor site in the BRCA1 gene. Splice prediction tools indicate a significant disruption to the native splice donor site and the possible activation of a cryptic donor site, resulting in an in-frame deletion at the end of exon 5. The detection of in-frame deletion in the RNA of carriers of this variant has been reported (ClinVar accession: SCV000185671.7, SCV000635877.6). An RNA study for a different variant at this splice donor site, c.301+6T>C, has shown a disruption at the native donor site that is rescued by the use of a cryptic donor site resulting in the in-frame deletion of 9 nucleotides from the end of exon 5 (PMID: 21769658). This variant has been reported in one individual affected with pancreatic cancer (PMID: 29940740). However, this variant has been detected in a breast cancer case-control meta-analysis in 1/53461 unaffected individuals and absent in 60466 cases (PMID: 33471991; Leiden Open Variation Database DB-ID BRCA1_005049). This variant has been detected in an individual affected with breast cancer who has a BRCA2 truncation variant that is expected to be loss-of-function and explains the disease (PMID: 27836010), and it also has been observed in trans with a pathogenic BRCA1 variant in an individual without features of Fanconi anemia (ClinVar accession: SCV000185671.7). Another commercial laboratory also has reported this variant as benign based in part on health history evidence (PMID: 28408614). This variant has been identified in 1/251180 chromosomes in the general population by the Genome Aggregation Database (gnomAD). Although there is a suspicion that this variant may not be associated with disease, additional studies are necessary to determine the role of this variant in disease conclusively. Therefore, this variant is classified as a Variant of Uncertain Significance.

GeneDx
Classification: Uncertain significance. Last evaluated: 2022-04-13. Review status: criteria provided, single submitter. Criteria: GeneDx Variant Classification Process June 2021. Collection method: clinical testing. Allele origin: germline. Affected: yes. Not counted in ClinVar's aggregate classification.
Comment: Canonical splice site variant with an unclear effect on protein function; a different variant at the same splice site, c.301+1G>C, demonstrated to result in an in-frame isoform that replaces 3 amino acids with 1 incorrect one in the critical RING domain (Borg 2010, Paul 2014, Leman 2018); Observed in individuals with breast, pancreatic, or prostate cancer (Rebbeck 2016, Na 2017, Alimirzaie 2018); Not observed at significant frequency in large population cohorts (gnomAD); Also known as c.420+1G>A and IVS6+1G>A; This variant is associated with the following publications: (PMID: 29940740, 25085752, 21769658, 27836010, 28526081, 29446198, 27989354, 24389207, 20104584, 30209399, 29750258)

Revvity Omics, Revvity
Classification: Uncertain significance. Last evaluated: 2022-04-07. Review status: criteria provided, single submitter. Criteria: ACMG Guidelines, 2015. Collection method: clinical testing. Allele origin: germline. Not counted in ClinVar's aggregate classification.

Quest Diagnostics Nichols Institute San Juan Capistrano
Classification: Uncertain significance. Last evaluated: 2017-10-27. Review status: criteria provided, single submitter. Criteria: Quest Diagnostics criteria. Collection method: clinical testing. Allele origin: germline. Not counted in ClinVar's aggregate classification.

Laboratory for Molecular Medicine, Mass General Brigham Personalized Medicine
Classification: Uncertain significance. Last evaluated: 2017-05-22. Review status: criteria provided, single submitter. Criteria: LMM Criteria. Collection method: clinical testing. Allele origin: germline. Observed: 1 variant allele. Not counted in ClinVar's aggregate classification.
Comment: T his variant has been identified in 1/111,504 European chromosomes by the genome Aggregation Database (gnomAD; dbSNP rs5877821 73). This variant occurs in the invariant region (+/- 1,2) of the splice consens us sequence and variants in this region are predicted to cause altered splicing leading to an abnormal or absent protein. However, in vitro functional studies f or another variant at this exon-intron junction (301+6T>C) suggest the use of an alternative splice donor site resulting in an in-frame deletion of three amino acids (Thomassen 2012). Please note, these types of assays may not accurately re present biological function. In summary, due to conflicting and insufficient evi dence, the clinical significance of the c.301+1G>A variant is uncertain.

Brotman Baty Institute, University of Washington
No classification provided (evidence only). Condition: Breast-ovarian cancer, familial 1. Review status: no classification provided. Collection method: in vitro. Allele origin: not applicable. Functional consequence: functionally_abnormal. Not counted in ClinVar's aggregate classification.
ClinVar note: "not provided" was previously submitted as the classification for the variant. However, the classification appeared to be based only on an observation of functional data so it was converted to no classification on 2025-07-30.

Consortium of Investigators of Modifiers of BRCA1/2 (CIMBA), c/o University of Cambridge
Classification: Pathogenic for Breast-ovarian cancer, familial, susceptibility to, 1. Last evaluated: 2015-10-02. Review status: flagged submission. Criteria: CIMBA Mutation Classification guidelines May 2016. Collection method: clinical testing. Allele origin: germline. Not counted in ClinVar's aggregate classification.
ClinVar note: Reason: Outlier claim with insufficient supporting evidence

Literature cited by the submitters: PubMed 27836010 (cited by 4 submitters); PubMed 29446198 (cited by Labcorp Genetics (formerly Invitae), Labcorp); PubMed 27989354 (cited by Ambry Genetics); PubMed 29922827 (cited by Ambry Genetics); PubMed 29940740 (cited by Ambry Genetics and Color Diagnostics, LLC DBA Color Health); PubMed 30209399 (cited by Ambry Genetics); PubMed 33471991 (cited by Ambry Genetics and Color Diagnostics, LLC DBA Color Health); PubMed 33804961 (cited by Ambry Genetics); PubMed 34887416 (cited by Ambry Genetics); PubMed 21769658 (cited by Color Diagnostics, LLC DBA Color Health and Laboratory for Molecular Medicine, Mass General Brigham Personalized Medicine); PubMed 28408614 (cited by Color Diagnostics, LLC DBA Color Health and Laboratory for Molecular Medicine, Mass General Brigham Personalized Medicine); PubMed 25085752 (cited by Laboratory for Molecular Medicine, Mass General Brigham Personalized Medicine).